The following is an entry in ClinVar:

NM_000093.5(COL5A1):c.279G>A (p.Ala93=)

Gene: COL5A1 (collagen type V alpha 1 chain; plus strand). Cytogenetic location: 9q34.3.
Variant type: single nucleotide variant.
Coding change: c.279G>A on transcript NM_000093.5 (MANE Select); coding-DNA position 279, G replaced by A.
Protein change: p.Ala93=; no amino-acid change (alanine 93 retained).
Molecular consequence: synonymous variant.
Genome position (GRCh38, 1-based): chr9:134,699,910, G>A. VCF-style: chr9-134699910-G-A. GRCh37 (hg19) VCF-style: chr9-137591756-G-A.
Other names: p.A93A:GCG>GCA; c.279G>A, p.Ala93= (NM_001278074.1).
Identifiers: ClinVar variation 212917 (VCV000212917.59), dbSNP rs145090868, ClinGen allele CA324432.
Genomic context (GRCh38, chr9:134,699,910, plus strand): 5'-GGCTGGGTGTGGTTGCAGGGGCTCCCCGACTGCCTTCTCACCTCTGTGCTCTGTTCCAGC[G>A]TCTGCATTTCCCGAGGACTTCTCCATCCTAACAACTGTGAAAGCCAAGAAAGGCAGCCAG-3'
Protein context (NP_000084.3, residues 83-103): LSAPTKQLYP[Ala93=]SAFPEDFSIL

ClinVar aggregate classification (germline): Benign/Likely benign. Review status: criteria provided, multiple submitters, no conflicts (2 of 4 stars). 8 submissions from 7 submitters: Benign (4); Likely benign (4). Last evaluated 2026-03-05.

Conditions:
Fibromuscular dysplasia, multifocal. Identifiers: MedGen C5543412, MONDO:0859151, OMIM 619329.
Familial thoracic aortic aneurysm and aortic dissection (TAAD). Also called: Thoracic aortic aneurysms and dissections. Identifiers: Orphanet 91387, MedGen C4707243, MONDO:0019625.
Ehlers-Danlos syndrome, classic type, 1 (EDSCL1). Also called: EHLERS-DANLOS SYNDROME, GRAVIS TYPE; EHLERS-DANLOS SYNDROME, SEVERE CLASSIC TYPE; Ehlers-Danlos syndrome, type 1; Ehlers-Danlos Syndrome, Classic Type, COL5A1-Related; EDS I. Identifiers: MedGen C0268335, MONDO:0019567, OMIM 130000.

Allele frequency attached by ClinVar (database versions not stated): ExAC 0.00006; gnomAD exomes 0.00006 and 0.00009; ESP Exome Variant Server 0.00008; 1000 Genomes Project 30x 0.00016; gnomAD 0.00017; 1000 Genomes Project 0.00020; TOPMed 0.00021.
gnomAD v4.1: 106 of 1,613,956 alleles (0.0066%); highest among the groups gnomAD compares: African/African-American, 0.033%; no homozygotes.

Submissions (8):

Women's Health and Genetics/Laboratory Corporation of America, LabCorp
Classification: Benign. Last evaluated: 2026-03-05. Review status: criteria provided, single submitter. Criteria: LabCorp Variant Classification Summary - May 2015. Collection method: clinical testing. Allele origin: germline.
Comment: Variant summary: COL5A1 c.279G>A (p.Ala93Ala) alters a conserved nucleotide located close to a canonical splice site and therefore could affect mRNA splicing, leading to a significantly altered protein sequence. Consensus agreement among computation tools predict no significant impact on normal splicing. However, these predictions have yet to be confirmed by functional studies. The variant allele was found at a frequency of 9.2e-05 in 251028 control chromosomes. The observed variant frequency exceeds the estimated maximal expected allele frequency for disease-causing variants in COL5A1. To our knowledge, no occurrence of c.279G>A in individuals affected with COL5A1-related conditions and no experimental evidence demonstrating its impact on protein function have been reported. ClinVar contains an entry for this variant (Variation ID: 212917). Based on the evidence outlined above, the variant was classified as benign.

Labcorp Genetics (formerly Invitae), Labcorp
Classification: Likely benign for Ehlers-Danlos syndrome, classic type, 1. Last evaluated: 2026-01-22. Review status: criteria provided, single submitter. Criteria: Invitae Variant Classification Sherloc (09022015). Collection method: clinical testing. Allele origin: germline.

Blueprint Genetics
Classification: Likely benign. Last evaluated: 2024-02-05. Review status: criteria provided, single submitter. Criteria: ACMG Guidelines, 2015. Collection method: clinical testing. Allele origin: germline.

Genome-Nilou Lab
Classification: Benign for Ehlers-Danlos syndrome, classic type, 1. Last evaluated: 2022-03-15. Review status: criteria provided, single submitter. Criteria: ACMG Guidelines, 2015. Collection method: clinical testing. Allele origin: germline. Affected: no.

Genome-Nilou Lab
Classification: Benign for Fibromuscular dysplasia, multifocal. Last evaluated: 2022-03-15. Review status: criteria provided, single submitter. Criteria: ACMG Guidelines, 2015. Collection method: clinical testing. Allele origin: germline. Affected: no.

Ambry Genetics
Classification: Likely benign for Familial thoracic aortic aneurysm and aortic dissection. Last evaluated: 2017-12-26. Review status: criteria provided, single submitter. Criteria: Ambry Variant Classification Scheme 2023. Collection method: clinical testing. Allele origin: germline.

CeGaT Center for Human Genetics Tuebingen
Classification: Likely benign. Last evaluated: 2017-10-01. Review status: criteria provided, single submitter. Criteria: CeGaT Center For Human Genetics Tuebingen Variant Classification Criteria Version 2. Collection method: clinical testing. Allele origin: germline. Affected: yes. Observed: 1 variant allele.

GeneDx
Classification: Benign. Last evaluated: 2015-01-06. Review status: criteria provided, single submitter. Criteria: GeneDx Variant Classification (06012015). Collection method: clinical testing. Allele origin: germline. Affected: yes.
Comment: This variant is considered likely benign or benign based on one or more of the following criteria: it is a conservative change, it occurs at a poorly conserved position in the protein, it is predicted to be benign by multiple in silico algorithms, and/or has population frequency not consistent with disease.